The following is an entry in ClinVar:

ClinVar aggregate classification (germline): Uncertain significance (1 of 4 stars; one submission).

Allele frequency attached by ClinVar (database versions not stated): gnomAD exomes below 0.00001.
gnomAD v4.1: 2 of 1,614,128 alleles (0.00012%); highest among the groups gnomAD compares: Non-Finnish European, 0.00017%; no homozygotes.

Submission:

Labcorp Genetics (formerly Invitae), Labcorp
Classification: Uncertain significance. Last evaluated: 2022-06-13. Review status: criteria provided, single submitter. Criteria: Invitae Variant Classification Sherloc (09022015). Collection method: clinical testing. Allele origin: germline.
Comment: In summary, the available evidence is currently insufficient to determine the role of this variant in disease. Therefore, it has been classified as a Variant of Uncertain Significance. Algorithms developed to predict the effect of missense changes on protein structure and function are either unavailable or do not agree on the potential impact of this missense change (SIFT: "Deleterious"; PolyPhen-2: "Benign"; Align-GVGD: "Class C0"). This variant has not been reported in the literature in individuals affected with KCNH1-related conditions. This variant is not present in population databases (gnomAD no frequency). This sequence change replaces glutamine, which is neutral and polar, with lysine, which is basic and polar, at codon 678 of the KCNH1 protein (p.Gln678Lys).

NM_172362.3(KCNH1):c.2032C>A (p.Gln678Lys)

Gene: KCNH1 (potassium voltage-gated channel subfamily H member 1; minus strand). Cytogenetic location: 1q32.2.
Variant type: single nucleotide variant.
Coding change: c.2032C>A on transcript NM_172362.3 (MANE Select); coding-DNA position 2032, C replaced by A.
Protein change: p.Gln678Lys; replaces glutamine 678 with lysine.
Molecular consequence: missense variant.
Genome position (GRCh38, 1-based): chr1:210,775,428, G>T on the plus strand (C>A on the coding strand, the complement: KCNH1 is on the minus strand). VCF-style: chr1-210775428-G-T. GRCh37 (hg19) VCF-style: chr1-210948770-G-T.
Other names: c.1951C>A, p.Gln651Lys (NM_002238.4); short protein forms Q651K, Q678K.
Identifiers: ClinVar variation 1485559 (VCV001485559.8), dbSNP rs2102371961, ClinGen allele CA344872047.
Genomic context (GRCh38, chr1:210,775,428, plus strand): 5'-TCAGAATCAGGTTCCGGGAGAAGGAATGGGAGAAGGCCGTGTAGAATTCCAGCACTTTCT[G>T]CAGGGCATCCCGCTTGATCACATGCAGATCACAGTAGGTCAAGGCCCTAACATTGGCACA-3'
Protein context (NP_758872.1, residues 668-688): DLHVIKRDAL[Gln678Lys]KVLEFYTAFS